The following is an entry in ClinVar:

ClinVar aggregate classification (germline): Benign/Likely benign. Review status: criteria provided, multiple submitters, no conflicts (2 of 4 stars). 4 submissions from 4 submitters: Benign (2); Likely benign (2). Last evaluated 2026-01-26.

Conditions:
Autoimmune lymphoproliferative syndrome type 2A (ALPS2A). Also called: CASP10-Related Autoimmune Lymphoproliferative Syndrome; AUTOIMMUNE LYMPHOPROLIFERATIVE SYNDROME, TYPE IIA; Autoimmune lymphoproliferative syndrome type 2. Identifiers: Orphanet 3261, MedGen C1858968, MONDO:0011383, OMIM 603909.

Allele frequency attached by ClinVar (database versions not stated): gnomAD exomes 0.00072; ExAC 0.00091; 1000 Genomes Project 30x 0.00265; 1000 Genomes Project 0.00280; gnomAD 0.00283 and 0.00298; TOPMed 0.00300; ESP Exome Variant Server 0.00323.
gnomAD v4.1: 787 of 1,614,014 alleles (0.049%); highest among the groups gnomAD compares: African/African-American, 0.91%; 3 homozygotes.

Submissions (4):

Labcorp Genetics (formerly Invitae), Labcorp
Classification: Benign for Autoimmune lymphoproliferative syndrome type 2A. Last evaluated: 2026-01-26. Review status: criteria provided, single submitter. Criteria: Invitae Variant Classification Sherloc (09022015). Collection method: clinical testing. Allele origin: germline.

Mayo Clinic Laboratories, Mayo Clinic
Classification: Likely benign. Last evaluated: 2025-07-23. Review status: criteria provided, single submitter. Criteria: ACMG Guidelines, 2015. Collection method: clinical testing. Allele origin: germline. Observed: 3 variant alleles.
Comment: BS1, BP4, BP7

Blueprint Genetics
Classification: Likely benign. Last evaluated: 2024-09-23. Review status: criteria provided, single submitter. Criteria: ACMG Guidelines, 2015. Collection method: clinical testing. Allele origin: germline.

Genetic Services Laboratory, University of Chicago
Classification: Benign. Last evaluated: 2021-07-27. Review status: criteria provided, single submitter. Criteria: ACMG Guidelines, 2015. Collection method: clinical testing. Allele origin: germline. Affected: no.

NM_032977.4(CASP10):c.1296C>T (p.Ala432=)

Gene: CASP10 (caspase 10; plus strand). Cytogenetic location: 2q33.1.
Variant type: single nucleotide variant.
Coding change: c.1296C>T on transcript NM_032977.4 (MANE Select); coding-DNA position 1296, C replaced by T.
Protein change: p.Ala432=; no amino-acid change (alanine 432 retained).
Molecular consequence: synonymous variant. On other transcripts: 3 prime UTR variant (1).
Genome position (GRCh38, 1-based): chr2:201,209,443, C>T. VCF-style: chr2-201209443-C-T. GRCh37 (hg19) VCF-style: chr2-202074166-C-T.
Other names: p.Ala432=; c.1095C>T, p.Ala365= (NM_001206524.2); c.1167C>T, p.Ala389= (NM_001206542.2, NM_001230.5); c.1296C>T, p.Ala432= (NM_032974.5); c.*382C>T (NM_032976.4).
Identifiers: ClinVar variation 535764 (VCV000535764.19), dbSNP rs41331850, ClinGen allele CA2053216.